The following is an entry in ClinVar:

NM_016203.4(PRKAG2):c.1107-12del

Gene: PRKAG2 (protein kinase AMP-activated non-catalytic subunit gamma 2; minus strand). Cytogenetic location: 7q36.1.
Variant type: Deletion.
Coding change: c.1107-12del on transcript NM_016203.4 (MANE Select); 12 bases into the intron before coding-DNA position 1107, one base deleted (C; older notation c.1107-12delC).
Molecular consequence: intron variant.
Genome position (GRCh38, 1-based): chr7:151,568,854, G deleted on the plus strand (C on the coding strand, the reverse complement: PRKAG2 is on the minus strand). VCF-style (leftmost placement, unchanged base first): chr7-151568853-AG-A. GRCh37 (hg19) VCF-style: chr7-151265939-AG-A.
Other names: c.975-12del (NM_001040633.2); c.732-12del (NM_001304527.2); c.735-12del (NM_001363698.2); c.384-12del (NM_001304531.2, NM_024429.2).
Identifiers: ClinVar variation 2056089 (VCV002056089.6), dbSNP rs2536329598, ClinGen allele CA2580077766.

ClinVar aggregate classification (germline): Conflicting classifications of pathogenicity. Review status: criteria provided, conflicting classifications (1 of 4 stars). 3 submissions from 3 submitters: Uncertain significance (2); Likely benign (1). Last evaluated 2025-10-17.

Conditions:
Cardiomyopathy (CMYO). Also called: Cardiomyopathies. Identifiers: Orphanet 167848, MedGen C0878544, MONDO:0004994, HP:0001638. Inheritance: Various modes of inheritance.
Lethal congenital glycogen storage disease of heart. Also called: GLYCOGEN STORAGE DISEASE OF HEART; PHOSPHORYLASE KINASE DEFICIENCY OF HEART. Identifiers: Orphanet 439854, MedGen C1849813, MONDO:0009867, OMIM 261740.
Hypertrophic cardiomyopathy. Also called: HYPERTROPHIC MYOCARDIOPATHY. Identifiers: Orphanet 217569, MedGen C0007194, MeSH D002312, MONDO:0005045, HP:0001639.

Submissions (3):

Labcorp Genetics (formerly Invitae), Labcorp
Classification: Likely benign for Lethal congenital glycogen storage disease of heart. Last evaluated: 2025-10-17. Review status: criteria provided, single submitter. Criteria: Invitae Variant Classification Sherloc (09022015). Collection method: clinical testing. Allele origin: germline.

All of Us Research Program, National Institutes of Health
Classification: Uncertain significance for Hypertrophic cardiomyopathy. Last evaluated: 2023-10-23. Review status: criteria provided, single submitter. Criteria: ACMG Guidelines, 2015. Collection method: clinical testing. Allele origin: germline. Inheritance: Autosomal dominant inheritance. Observed: 1 variant allele, 1 heterozygote.
Comment: This variant deletes one nucleotide in intron 10 of the PRKAG2 gene. To our knowledge, functional studies have not been reported for this variant. This variant has not been reported in individuals affected with PRKAG2-related disorders in the literature. This variant has not been identified in the general population by the Genome Aggregation Database (gnomAD). The available evidence is insufficient to determine the role of this variant in disease conclusively. Therefore, this variant is classified as a Variant of Uncertain Significance.

This study involves interpretation of variants in research participants for the purpose of population health screening. Participant phenotype was not available at the time of variant classification. Additional details can be found in publication PMID: 35346344, PMCID: PMC8962531

Color Diagnostics, LLC DBA Color Health
Classification: Uncertain significance for Cardiomyopathy. Last evaluated: 2023-09-15. Review status: criteria provided, single submitter. Criteria: ACMG Guidelines, 2015. Collection method: clinical testing. Allele origin: germline.
Comment: This variant deletes one nucleotide in intron 10 of the PRKAG2 gene. To our knowledge, functional studies have not been reported for this variant. This variant has not been reported in individuals affected with PRKAG2-related disorders in the literature. This variant has not been identified in the general population by the Genome Aggregation Database (gnomAD). The available evidence is insufficient to determine the role of this variant in disease conclusively. Therefore, this variant is classified as a Variant of Uncertain Significance.